The following is an entry in ClinVar:

NM_017654.4(SAMD9):c.1007G>C (p.Ser336Thr)

Gene: SAMD9 (sterile alpha motif domain containing 9; minus strand). Cytogenetic location: 7q21.2.
Variant type: single nucleotide variant.
Coding change: c.1007G>C on transcript NM_017654.4 (MANE Select); coding-DNA position 1007, G replaced by C.
Protein change: p.Ser336Thr; replaces serine 336 with threonine.
Molecular consequence: missense variant.
Genome position (GRCh38, 1-based): chr7:93,105,091, C>G on the plus strand (G>C on the coding strand, the complement: SAMD9 is on the minus strand). VCF-style: chr7-93105091-C-G. GRCh37 (hg19) VCF-style: chr7-92734404-C-G.
Other names: c.1007G>C, p.Ser336Thr (NM_001193307.2); short protein forms S336T.
Identifiers: ClinVar variation 3792116 (VCV003792116.1).

ClinVar aggregate classification (germline): Uncertain significance (1 of 4 stars; one submission).

Conditions:
Inborn genetic diseases. Identifiers: MedGen C0950123, MeSH D030342.

Submission:

Ambry Genetics
Classification: Uncertain significance for Inborn genetic diseases. Last evaluated: 2025-02-21. Review status: criteria provided, single submitter. Criteria: Ambry Variant Classification Scheme 2023. Collection method: clinical testing. Allele origin: germline.
Comment: The p.S336T variant (also known as c.1007G>C), located in coding exon 1 of the SAMD9 gene, results from a G to C substitution at nucleotide position 1007. The serine at codon 336 is replaced by threonine, an amino acid with similar properties. This amino acid position is conserved. In addition, this alteration is predicted to be tolerated by in silico analysis. Based on the available evidence, the clinical significance of this variant remains unclear.